The following is an entry in ClinVar:

ClinVar aggregate classification (germline): Pathogenic/Likely pathogenic. Review status: criteria provided, multiple submitters, no conflicts (2 of 4 stars). 3 submissions from 3 submitters: Pathogenic (1); Likely pathogenic (2). Last evaluated 2024-11-04.

Conditions:
Fanconi anemia (FA). Also called: Fanconi's anemia. Identifiers: Orphanet 84, MedGen C0015625, MeSH D005199, MONDO:0019391.
Fanconi anemia complementation group A (FANCA). Also called: Fanconi anemia, group A; FANCA-Related Fanconi Anemia. Identifiers: Orphanet 84, MedGen C3469521, MONDO:0009215, OMIM 227650.

Submissions (3):

Natera, Inc.
Classification: Likely pathogenic for Fanconi anemia. Last evaluated: 2024-11-04. Review status: criteria provided, single submitter. Criteria: Natera Variant Classification Schema (03/2026). Collection method: clinical testing. Allele origin: germline.
Comment: The c.206_207delGT variant in FANCA is a frameshift variant predicted to shift the reading frame and introduce a stop codon. This variant is expected to result in nonsense mediated decay, truncation, or a dysfunctional protein product. This variant is rare in the general population with a frequency below the threshold expected for the associated phenotype(s). Given the available evidence, this variant is classified as Likely Pathogenic.

Baylor Genetics
Classification: Likely pathogenic for Fanconi anemia complementation group A. Last evaluated: 2024-01-24. Review status: criteria provided, single submitter. Criteria: ACMG Guidelines, 2015. Collection method: clinical testing. Allele origin: unknown.

Revvity Omics, Revvity
Classification: Pathogenic for Fanconi anemia complementation group A. Last evaluated: 2019-07-01. Review status: criteria provided, single submitter. Criteria: ACMG Guidelines, 2015. Collection method: clinical testing. Allele origin: germline.

NM_000135.4(FANCA):c.206_207del (p.Leu68_Cys69insTer)

Gene: FANCA (FA complementation group A; minus strand). Cytogenetic location: 16q24.3.
Variant type: Microsatellite.
Coding change: c.206_207del on transcript NM_000135.4 (MANE Select); coding-DNA positions 206 to 207, 2 bases deleted (GT; older notation c.206_207delGT).
Protein change: p.Leu68_Cys69insTer.
Molecular consequence: nonsense.
Genome position (GRCh38, 1-based): chr16:89,814,596-89,814,597, AC deleted on the plus strand (GT on the coding strand, the reverse complement: FANCA is on the minus strand); deleting any 2 consecutive bases within chr16:89,814,596-89,814,600 gives the same sequence; the c. name uses the placement nearest the transcript's 3' end. VCF-style (leftmost placement, unchanged base first): chr16-89814595-TAC-T. GRCh37 (hg19) VCF-style: chr16-89881003-TAC-T.
Other names: c.206_207del, p.Leu68_Cys69insTer (NM_001018112.3, NM_001286167.3, NM_001351830.2); c.206_207delGT (NM_000135.3).
Identifiers: ClinVar variation 1322868 (VCV001322868.6), dbSNP rs2143711627, ClinGen allele CA2580613948.